The following is an entry in ClinVar:

ClinVar aggregate classification (germline): Uncertain significance (1 of 4 stars; one submission).

Allele frequency attached by ClinVar (database versions not stated): gnomAD 0.00001; TOPMed 0.00001.

Submission:

Labcorp Genetics (formerly Invitae), Labcorp
Classification: Uncertain significance. Last evaluated: 2022-08-24. Review status: criteria provided, single submitter. Criteria: Invitae Variant Classification Sherloc (09022015). Collection method: clinical testing. Allele origin: germline.
Comment: This variant is not present in population databases (gnomAD no frequency). This sequence change falls in intron 11 of the SCN3A gene. It does not directly change the encoded amino acid sequence of the SCN3A protein. It affects a nucleotide within the consensus splice site. This variant has not been reported in the literature in individuals affected with SCN3A-related conditions. In summary, the available evidence is currently insufficient to determine the role of this variant in disease. Therefore, it has been classified as a Variant of Uncertain Significance. Variants that disrupt the consensus splice site are a relatively common cause of aberrant splicing (PMID: 17576681, 9536098). Algorithms developed to predict the effect of sequence changes on RNA splicing suggest that this variant is not likely to affect RNA splicing.

Literature cited by the submitters: PubMed 17576681; PubMed 9536098.

NM_006922.4(SCN3A):c.1380+5T>A

Gene: SCN3A (sodium voltage-gated channel alpha subunit 3; minus strand). Cytogenetic location: 2q24.3.
Variant type: single nucleotide variant.
Coding change: c.1380+5T>A on transcript NM_006922.4 (MANE Select); 5 bases into the intron after coding-DNA position 1380, T replaced by A.
Molecular consequence: intron variant.
Genome position (GRCh38, 1-based): chr2:165,154,447, A>T on the plus strand (T>A on the coding strand, the complement: SCN3A is on the minus strand). VCF-style: chr2-165154447-A-T. GRCh37 (hg19) VCF-style: chr2-166010957-A-T.
Other names: c.1380+5T>A (NM_001081676.2, NM_001081677.2).
Identifiers: ClinVar variation 2026951 (VCV002026951.4), dbSNP rs746906829, ClinGen allele CA760106276.
Genomic context (GRCh38, chr2:165,154,447, plus strand): 5'-TAACACTATTTCTACTTAGAAACTAATAATAATAATGATAAATCTTTGCTTTTATCACTC[A>T]GTACCTGAGCTTCTTCCTGTTGCTTTTTAAGCTGTTCGAGCATCTGCTGAAATTCGGCCT-3'